The following is an entry in ClinVar:

NM_000128.4(F11):c.1693G>A (p.Glu565Lys)

Genes: F11 (coagulation factor XI; plus strand), F11-AS1 (F11 antisense RNA 1; minus strand). Cytogenetic location: 4q35.2.
Variant type: single nucleotide variant.
Coding change: c.1693G>A on transcript NM_000128.4 (MANE Select); coding-DNA position 1693, G replaced by A.
Protein change: p.Glu565Lys; replaces glutamic acid 565 with lysine.
Molecular consequence: missense variant.
Genome position (GRCh38, 1-based): chr4:186,287,800, G>A. VCF-style: chr4-186287800-G-A. GRCh37 (hg19) VCF-style: chr4-187208954-G-A.
Other names: short protein forms E565K.
Identifiers: ClinVar variation 68186 (VCV000068186.10), dbSNP rs281875275, ClinGen allele CA199064.

ClinVar aggregate classification (germline): Conflicting classifications of pathogenicity. Review status: criteria provided, conflicting classifications (1 of 4 stars). 7 submissions from 7 submitters: Pathogenic (1); Likely pathogenic (3); Uncertain significance (1). 2 of the submissions do not count toward it. Last evaluated 2025-09-29.

Conditions:
Plasma factor XI deficiency.
Hereditary factor XI deficiency disease. Also called: PLASMA THROMBOPLASTIN ANTECEDENT DEFICIENCY; PTA DEFICIENCY; ROSENTHAL SYNDROME; Congenital factor XI deficiency. Identifiers: Orphanet 329, MedGen C0015523, MeSH D005173, MONDO:0012897, OMIM 612416.

Allele frequency attached by ClinVar (database versions not stated): gnomAD exomes below 0.00001; gnomAD 0.00001; TOPMed 0.00002.
gnomAD v4.1: 9 of 1,613,106 alleles (0.00056%); highest among the groups gnomAD compares: Middle Eastern, 0.016%; no homozygotes.

Submissions (7):

Myriad Genetics, Inc.
Classification: Likely pathogenic for Hereditary factor XI deficiency disease. Last evaluated: 2025-09-29. Review status: criteria provided, single submitter. Criteria: Myriad Autosomal Dominant, Autosomal Recessive and X-Linked Classification Criteria (2023). Collection method: clinical testing. Allele origin: unknown.
Comment: NM_000128.3(F11):c.1693G>A(E565K) is a missense variant classified as likely pathogenic in the context of factor XI deficiency. E565K has been observed in cases with relevant disease (PMID: 20523169, 18758779, 21718436, 29178608, 28960694, 15953011, 31064749, 16079124). Relevant functional assessments of this variant are available in the literature (PMID: 21718436). E565K has not been observed in referenced population frequency databases. In summary, NM_000128.3(F11):c.1693G>A(E565K) is a missense variant that has functional support for pathogenicity and has been observed more frequently in cases with the relevant disease than in healthy populations. Please note: this variant was assessed in the context of healthy population screening.

Mayo Clinic Laboratories, Mayo Clinic
Classification: Pathogenic. Last evaluated: 2025-07-30. Review status: criteria provided, single submitter. Criteria: ACMG Guidelines, 2015. Collection method: clinical testing. Allele origin: germline. Observed: 1 variant allele.
Comment: PM2_supporting, PM3_supporting, PS4_very_strong, PVS1_strong

Natera, Inc.
Classification: Likely pathogenic for Plasma factor XI deficiency. Last evaluated: 2025-06-24. Review status: criteria provided, single submitter. Criteria: Natera Variant Classification Schema (03/2026). Collection method: clinical testing. Allele origin: germline.
Comment: The c.1693G>A variant in F11 is a missense variant predicted to cause substitution of glutamic acid to lysine at amino acid 565. This variant is rare in the general population with a frequency below the threshold expected for the associated phenotype(s). This variant has been observed in one or more individuals affected with the associated recessive disease, as either homozygous or compound heterozygous with a second variant (PMID: 20523169). This variant has been observed in affected individual(s) with monoallelic occurrence (heterozygous/hemizygous) (PMID: 15953011, 29367083, 29178608, 21718436, 37252892). This variant has been identified in one or more affected individual with a phenotype highly consistent with the associated gene (PMID: 20523169). Given the available evidence, this variant is classified as Likely Pathogenic.

Women's Health and Genetics/Laboratory Corporation of America, LabCorp
Classification: Uncertain significance. Last evaluated: 2023-04-27. Review status: criteria provided, single submitter. Criteria: LabCorp Variant Classification Summary - May 2015. Collection method: clinical testing. Allele origin: germline.
Comment: Variant summary: F11 c.1693G>A (p.Glu565Lys) results in a conservative amino acid change in the encoded protein sequence. Three of five in-silico tools predict a benign effect of the variant on protein function. 4/4 computational tools predict no significant impact on normal splicing. However, these predictions have yet to be confirmed by functional studies. One study reported that this variant causes skipping of exon 14 however the results as presented do not allow a conclusive determination supporting this conclusion (Zucker_20011). The variant was absent in 251488 control chromosomes. c.1693G>A has been reported in the literature as a non-informative genotype (second allele not specified), a homozygous genotype (one report) and as a presumed compound heterozygous genotype (one report) in individuals affected with features of factor XI deficiency disease or in settings of multigene panel testing for coagulation disorders (example, Hill_2005, Qulin_2009, Karimi_2009, Zucker_2011, Rimoldi_2018, Downes_2019). These data indicate that the variant may be associated with disease. To our knowledge, no experimental evidence demonstrating an impact on protein function has been reported. The following publications have been ascertained in the context of this evaluation (PMID: 31064749, 15953011, 18758779, 20523169, 29178608, 21718436). One group has submitted clinical-significance assessments for this variant to ClinVar after 2014 without evidence for independent evaluation and classified the variant as likely pathogenic. Based on the evidence outlined above, the variant was classified as VUS-possibly pathogenic.

NIHR Bioresource Rare Diseases, University of Cambridge
Classification: Likely pathogenic for Hereditary factor XI deficiency disease. Last evaluated: 2019-02-01. Review status: criteria provided, single submitter. Criteria: ACMG Guidelines, 2015. Collection method: research. Allele origin: unknown. Affected: yes. Observed: 1 heterozygote. Study: ThromboGenomics.

Counsyl
Classification: Likely pathogenic for Hereditary factor XI deficiency disease. Last evaluated: 2014-05-24. Review status: no assertion criteria provided. Collection method: literature only. Allele origin: unknown. Inheritance: Autosomal recessive inheritance. Not counted in ClinVar's aggregate classification.

UniProtKB/Swiss-Prot
No classification provided. Review status: no classification provided. Collection method: not provided. Allele origin: not provided. Not counted in ClinVar's aggregate classification.

Literature cited by the submitters: PubMed 15953011 (cited by 5 submitters); PubMed 16079124 (cited by Myriad Genetics, Inc. and Counsyl); PubMed 18758779 (cited by 4 submitters); PubMed 20523169 (cited by 5 submitters); PubMed 21718436 (cited by 5 submitters); PubMed 28960694 (cited by Myriad Genetics, Inc. and Mayo Clinic Laboratories, Mayo Clinic); PubMed 29178608 (cited by 4 submitters); PubMed 31064749 (cited by 3 submitters); PubMed 29367083 (cited by Natera, Inc.); PubMed 37252892 (cited by Natera, Inc.); PubMed 19652879 (cited by Counsyl).